The following is an entry in ClinVar:

NM_000059.4(BRCA2):c.7801T>C (p.Tyr2601His)

Gene: BRCA2 (BRCA2 DNA repair associated; plus strand). Cytogenetic location: 13q13.1.
Variant type: single nucleotide variant.
Coding change: c.7801T>C on transcript NM_000059.4 (MANE Select); coding-DNA position 7801, T replaced by C.
Protein change: p.Tyr2601His; replaces tyrosine 2601 with histidine.
Molecular consequence: missense variant. On other transcripts: non-coding transcript variant (1).
Genome position (GRCh38, 1-based): chr13:32,357,925, T>C. VCF-style: chr13-32357925-T-C. GRCh37 (hg19) VCF-style: chr13-32932062-T-C.
Other names: c.7705T>C, p.Tyr2569His (NM_001406719.1); c.7801T>C, p.Tyr2601His (NM_001406720.1, NM_001432077.1); c.2869T>C, p.Tyr957His (NM_001406721.1); c.1384T>C, p.Tyr462His (NM_001406722.1); short protein forms Y2569H, Y2601H, Y462H, Y957H.
Identifiers: ClinVar variation 4799781 (VCV004799781.1).
Genomic context (GRCh38, chr13:32,357,925, plus strand): 5'-TTGGCTGATGGTGGATGGCTCATACCCTCCAATGATGGAAAGGCTGGAAAAGAAGAATTT[T>C]ATAGGTACTCTATGCAAAAAGATTGTGTGTTAACTTTTATGTATTCCCTCATCCCTCTTT-3'
Protein context (NP_000050.3, residues 2591-2611): NDGKAGKEEF[Tyr2601His]RALCDTPGVD

ClinVar aggregate classification (germline): Uncertain significance (1 of 4 stars; one submission).

Conditions:
Hereditary breast ovarian cancer syndrome. Also called: Hereditary breast and ovarian cancer syndrome (HBOC); Hereditary breast and ovarian cancer; Breast and ovarian cancer; Hereditary breast and/or ovarian cancer syndrome; BRCA1- and BRCA2-Associated Hereditary Breast and Ovarian Cancer; Hereditary breast and ovarian cancer syndrome. Identifiers: Orphanet 145, MedGen C0677776, MeSH D061325, MONDO:0003582. Disease mechanism: loss of function.

Submission:

Labcorp Genetics (formerly Invitae), Labcorp
Classification: Uncertain significance for Hereditary breast ovarian cancer syndrome. Last evaluated: 2026-01-13. Review status: criteria provided, single submitter. Criteria: Invitae Variant Classification Sherloc (09022015). Collection method: clinical testing. Allele origin: germline.
Comment: This sequence change replaces tyrosine, which is neutral and polar, with histidine, which is basic and polar, at codon 2601 of the BRCA2 protein (p.Tyr2601His). This variant is not present in population databases (gnomAD no frequency). This variant has not been reported in the literature in individuals affected with BRCA2-related conditions. Invitae Evidence Modeling incorporating data from in vitro experimental studies (PMID: 33609447) indicates that this missense variant is not expected to disrupt BRCA2 function with a negative predictive value of 95%. This variant disrupts the p.Tyr2601 amino acid residue in BRCA2. Other variant(s) that disrupt this residue have been determined to be pathogenic (PMID: 24301060, 29881398, 31843900). This suggests that this residue is clinically significant, and that variants that disrupt this residue are likely to be disease-causing. In summary, the available evidence is currently insufficient to determine the role of this variant in disease. Therefore, it has been classified as a Variant of Uncertain Significance.

Literature cited by the submitters: PubMed 33609447; PubMed 24301060; PubMed 29881398; PubMed 31843900.